The following is an entry in ClinVar:

ClinVar aggregate classification (germline): Uncertain significance (1 of 4 stars; one submission).

Conditions:
Angelman syndrome-like. Identifiers: MedGen CN128785.
Developmental and epileptic encephalopathy, 2 (DEE2). Also called: CDKL5 deficiency disorder; INFANTILE SPASM SYNDROME, X-LINKED 2. Identifiers: Orphanet 1934, Orphanet 3451, Orphanet 505652, MedGen C4750718, MONDO:0010396, OMIM 300672.

Submission:

Labcorp Genetics (formerly Invitae), Labcorp
Classification: Uncertain significance for Developmental and epileptic encephalopathy, 2; Angelman syndrome-like. Last evaluated: 2022-07-16. Review status: criteria provided, single submitter. Criteria: Invitae Variant Classification Sherloc (09022015). Collection method: clinical testing. Allele origin: germline.
Comment: This variant is not present in population databases (gnomAD no frequency). In summary, the available evidence is currently insufficient to determine the role of this variant in disease. Therefore, it has been classified as a Variant of Uncertain Significance. Advanced modeling of protein sequence and biophysical properties (such as structural, functional, and spatial information, amino acid conservation, physicochemical variation, residue mobility, and thermodynamic stability) performed at Invitae indicates that this missense variant is not expected to disrupt CDKL5 protein function. This variant has not been reported in the literature in individuals affected with CDKL5-related conditions. This sequence change replaces serine, which is neutral and polar, with asparagine, which is neutral and polar, at codon 350 of the CDKL5 protein (p.Ser350Asn).

NM_001323289.2(CDKL5):c.1049G>A (p.Ser350Asn)

Gene: CDKL5 (cyclin dependent kinase like 5; plus strand). Cytogenetic location: Xp22.13.
Variant type: single nucleotide variant.
Coding change: c.1049G>A on transcript NM_001323289.2 (MANE Select); coding-DNA position 1049, G replaced by A.
Protein change: p.Ser350Asn; replaces serine 350 with asparagine.
Molecular consequence: missense variant.
Genome position (GRCh38, 1-based): chrX:18,603,973, G>A. VCF-style: chrX-18603973-G-A. GRCh37 (hg19) VCF-style: chrX-18622093-G-A.
Other names: c.1049G>A, p.Ser350Asn (NM_001037343.2, NM_003159.3); short protein forms S350N.
Identifiers: ClinVar variation 1716383 (VCV001716383.6), dbSNP rs2518873394, ClinGen allele CA412359127.